The following is an entry in ClinVar:

NM_000051.4(ATM):c.8107G>A (p.Asp2703Asn)

Genes: ATM (ATM serine/threonine kinase; plus strand), C11orf65 (chromosome 11 open reading frame 65; minus strand). Cytogenetic location: 11q22.3.
Variant type: single nucleotide variant.
Coding change: c.8107G>A on transcript NM_000051.4 (MANE Select); coding-DNA position 8107, G replaced by A.
Protein change: p.Asp2703Asn; replaces aspartic acid 2703 with asparagine.
Molecular consequence: missense variant. On other transcripts: intron variant (2).
Genome position (GRCh38, 1-based): chr11:108,335,065, G>A. VCF-style: chr11-108335065-G-A. GRCh37 (hg19) VCF-style: chr11-108205792-G-A.
Other names: c.*38+155C>T (NM_001351110.2); c.8107G>A, p.Asp2703Asn (NM_001351834.2); c.641-25994C>T (NM_001330368.2); short protein forms D2703N.
Identifiers: ClinVar variation 524403 (VCV000524403.10), dbSNP rs1555127236, ClinGen allele CA382562120.

ClinVar aggregate classification (germline): Uncertain significance (1 of 4 stars; one submission).

Conditions:
Ataxia-telangiectasia syndrome (AT). Also called: Cerebello-oculocutaneous telangiectasia; Immunodeficiency with ataxia telangiectasia; Ataxia-telangiectasia, complementation group E; Ataxia-telangiectasia, complementation group D; AT, COMPLEMENTATION GROUP C; ATAXIA-TELANGIECTASIA, COMPLEMENTATION GROUP A. Identifiers: Orphanet 100, MedGen C0004135, MONDO:0008840, OMIM 208900.

Allele frequency attached by ClinVar (database versions not stated): gnomAD exomes below 0.00001.
gnomAD v4.1: 1 of 1,614,108 alleles (0.000062%); highest among the groups gnomAD compares: East Asian, 0.0022%; no homozygotes.

Submission:

Labcorp Genetics (formerly Invitae), Labcorp
Classification: Uncertain significance for Ataxia-telangiectasia syndrome. Last evaluated: 2018-11-21. Review status: criteria provided, single submitter. Criteria: Invitae Variant Classification Sherloc (09022015). Collection method: clinical testing. Allele origin: germline.
Comment: In summary, the available evidence is currently insufficient to determine the role of this variant in disease. Therefore, it has been classified as a Variant of Uncertain Significance. Algorithms developed to predict the effect of missense changes on protein structure and function (SIFT, PolyPhen-2, Align-GVGD) all suggest that this variant is likely to be tolerated, but these predictions have not been confirmed by published functional studies and their clinical significance is uncertain. This variant has not been reported in the literature in individuals with ATM-related disease. This variant is not present in population databases (ExAC no frequency). This sequence change replaces aspartic acid with asparagine at codon 2703 of the ATM protein (p.Asp2703Asn). The aspartic acid residue is moderately conserved and there is a small physicochemical difference between aspartic acid and asparagine.